The following is an entry in ClinVar:

NM_002528.7(NTHL1):c.-2G>A

Gene: NTHL1 (nth like DNA glycosylase 1; minus strand). Cytogenetic location: 16p13.3.
Variant type: single nucleotide variant.
Coding change: c.-2G>A on transcript NM_002528.7 (MANE Select); 2 bases upstream of the start codon, G replaced by A.
Molecular consequence: 5 prime UTR variant.
Genome position (GRCh38, 1-based): chr16:2,047,825, C>T on the plus strand (G>A on the coding strand, the complement: NTHL1 is on the minus strand). VCF-style: chr16-2047825-C-T. GRCh37 (hg19) VCF-style: chr16-2097826-C-T.
Other names: c.-2G>A (NM_001318193.2); c.-180G>A (NM_001318194.2).
Identifiers: ClinVar variation 1790714 (VCV001790714.2), dbSNP rs2084531474, ClinGen allele CA394298766.

ClinVar aggregate classification (germline): Uncertain significance (1 of 4 stars; one submission).

Conditions:
Hereditary cancer-predisposing syndrome. Also called: Hereditary Cancer Syndrome; Hereditary neoplastic syndrome; Tumor predisposition; Neoplastic Syndromes, Hereditary. Identifiers: Orphanet 140162, MedGen C0027672, MeSH D009386, MONDO:0015356.

Allele frequency attached by ClinVar (database versions not stated): gnomAD exomes below 0.00001; TOPMed below 0.00001.

Submission:

Ambry Genetics
Classification: Uncertain significance for Hereditary cancer-predisposing syndrome. Last evaluated: 2022-01-27. Review status: criteria provided, single submitter. Criteria: Ambry Variant Classification Scheme 2023. Collection method: clinical testing. Allele origin: germline.
Comment: The p.G8D variant (also known as c.23G>A), located in coding exon 1 of the NTHL1 gene, results from a G to A substitution at nucleotide position 23. The glycine at codon 8 is replaced by aspartic acid, an amino acid with similar properties. This amino acid position is conserved. In addition, this alteration is predicted to be tolerated by in silico analysis. Since supporting evidence is limited at this time, the clinical significance of this alteration remains unclear.